The following is an entry in ClinVar:

ClinVar aggregate classification (germline): Benign/Likely benign. Review status: criteria provided, multiple submitters, no conflicts (2 of 4 stars). 2 submissions from 2 submitters: Benign (1); Likely benign (1). Last evaluated 2024-09-04.

Conditions:
Hereditary cancer-predisposing syndrome. Also called: Hereditary Cancer Syndrome; Hereditary neoplastic syndrome; Tumor predisposition; Neoplastic Syndromes, Hereditary. Identifiers: Orphanet 140162, MedGen C0027672, MeSH D009386, MONDO:0015356.
Familial cancer of breast. Also called: BREAST CANCER, FAMILIAL; Hereditary breast cancer; hereditary breast carcinoma. Identifiers: Orphanet 227535, MedGen C0346153, MONDO:0016419, OMIM 114480. Disease mechanism: loss of function.

Submissions (2):

Myriad Genetics, Inc.
Classification: Benign for Familial cancer of breast. Last evaluated: 2024-09-04. Review status: criteria provided, single submitter. Criteria: Myriad Autosomal Dominant, Autosomal Recessive and X-Linked Classification Criteria (2023). Collection method: clinical testing. Allele origin: unknown.
Comment: This variant is considered benign. This variant is a silent/synonymous amino acid change and it is not expected to impact splicing.

Ambry Genetics
Classification: Likely benign for Hereditary cancer-predisposing syndrome. Last evaluated: 2020-09-18. Review status: criteria provided, single submitter. Criteria: Ambry Variant Classification Scheme 2023. Collection method: clinical testing. Allele origin: germline.

NM_032043.3(BRIP1):c.2403T>C (p.Asn801=)

Gene: BRIP1 (BRCA1 interacting DNA helicase 1; minus strand). Cytogenetic location: 17q23.2.
Variant type: single nucleotide variant.
Coding change: c.2403T>C on transcript NM_032043.3 (MANE Select); coding-DNA position 2403, T replaced by C.
Protein change: p.Asn801=; no amino-acid change (asparagine 801 retained).
Molecular consequence: synonymous variant.
Genome position (GRCh38, 1-based): chr17:61,716,040, A>G on the plus strand (T>C on the coding strand, the complement: BRIP1 is on the minus strand). VCF-style: chr17-61716040-A-G. GRCh37 (hg19) VCF-style: chr17-59793401-A-G.
Identifiers: ClinVar variation 1790768 (VCV001790768.3), dbSNP rs1555580947, ClinGen allele CA501150548.